The following continues an entry in ClinVar:

NM_000138.5(FBN1):c.7726C>T (p.Arg2576Cys)

Gene: FBN1. ClinVar aggregate classification (germline): Pathogenic. Pathogenic (1).

Submissions 9 to 11 of 11:

PreventionGenetics, part of Exact Sciences
Classification: Pathogenic for FBN1-related condition. Last evaluated: 2024-01-20. Review status: no assertion criteria provided. Collection method: clinical testing. Allele origin: germline. Not counted in ClinVar's aggregate classification.
Comment: The FBN1 c.7726C>T variant is predicted to result in the amino acid substitution p.Arg2576Cys. This variant was reported in multiple individuals with Marfan syndrome and/or related aortopathies (Table S1, Aalberts et al. 2014. PubMed ID: 24161884; Guo et al. 2015. PubMed ID: 26272055; Table S2, Franken et al. 2016. PubMed ID: 26787436; Table S3, Li. 2021 et al. PubMed ID: 33824467). This variant was also documented in the apparently homozygous state in an individual with severe Marfan syndrome. The mother was reported to be a heterozygous carrier without clinical features of Marfan syndrome and the father was not available for examination (Hogue et al. 2013. PubMed ID: 23278365). This variant creates a cysteine residue that is located within the epidermal growth factor-like domain of the FBN1 protein and missense variants in FBN1 that substitute or create a cysteine residue are well-documented to cause Marfan syndrome (Dietz and Dietz. 1993. PubMed ID: 20301510; Comeglio et al. 2007. PubMed ID: 17657824; Stheneur et al. 2009. PubMed ID: 19293843). This variant is reported in 0.010% of alleles in individuals of Ashkenazi Jewish descent in gnomAD. This variant is interpreted as pathogenic.

OMIM
Classification: Pathogenic for MARFAN SYNDROME, AUTOSOMAL RECESSIVE. Last evaluated: 2013-10-01. Review status: no assertion criteria provided. Collection method: literature only. Allele origin: germline. Not counted in ClinVar's aggregate classification.

Center for Medical Genetics Ghent, University of Ghent
Classification: Uncertain significance for Marfan syndrome. Last evaluated: 2017-11-07. Review status: flagged submission. Collection method: clinical testing. Allele origin: germline. Affected: yes. Not counted in ClinVar's aggregate classification.
ClinVar note: Reason: Older and outlier claim with insufficient supporting evidence

Literature cited by the submitters: PubMed 23278365 (cited by 4 submitters); PubMed 24161884 (cited by 3 submitters); PubMed 26272055 (cited by 3 submitters); PubMed 26787436 (cited by Labcorp Genetics (formerly Invitae), Labcorp and Women's Health and Genetics/Laboratory Corporation of America, LabCorp); PubMed 25652356 (cited by Ambry Genetics and Women's Health and Genetics/Laboratory Corporation of America, LabCorp); PubMed 33394117 (cited by Ambry Genetics); PubMed 33824467 (cited by Ambry Genetics and Women's Health and Genetics/Laboratory Corporation of America, LabCorp); PubMed 9477945 (cited by Ambry Genetics); PubMed 31830381 (cited by Women's Health and Genetics/Laboratory Corporation of America, LabCorp); PubMed 33711475 (cited by Women's Health and Genetics/Laboratory Corporation of America, LabCorp).